The following is an entry in ClinVar:

ClinVar aggregate classification (germline): Pathogenic (1 of 4 stars; one submission).

Conditions:
Nemaline myopathy 2 (NEM2). Also called: Nemaline myopathy 2, autosomal recessive. Identifiers: MedGen C1850569, MONDO:0009725, OMIM 256030.

Submission:

Myriad Genetics, Inc.
Classification: Pathogenic for Nemaline myopathy 2. Last evaluated: 2024-02-12. Review status: criteria provided, single submitter. Criteria: Myriad Autosomal Dominant, Autosomal Recessive and X-Linked Classification Criteria (2023). Collection method: clinical testing. Allele origin: unknown.
Comment: NM_001271208.1(NEB):c.7936dupG(A2646Gfs*3) is expected to be pathogenic in the context of NEB-related nemaline myopathy. This variant is predicted to lead to an abnormal or absent protein product due to the creation of a premature termination codon in NEB, a gene where loss-of-function variants are known to be pathogenic. Please note: this variant was assessed in the context of healthy population screening.

NM_001164508.2(NEB):c.7936dup (p.Ala2646fs)

Gene: NEB (nebulin; minus strand). Cytogenetic location: 2q23.3.
Variant type: Duplication.
Coding change: c.7936dup on transcript NM_001164508.2 (MANE Select); coding-DNA position 7936, one base duplicated (G; older notation c.7936dupG).
Protein change: p.Ala2646fs; shifts the reading frame from alanine 2646.
Molecular consequence: frameshift variant.
Genome position (GRCh38, 1-based): chr2:151,643,838, C duplicated on the plus strand (G on the coding strand, the reverse complement: NEB is on the minus strand); the first of 2 consecutive C bases (chr2:151,643,838-151,643,839); duplicating either gives the same sequence. VCF-style (leftmost placement, unchanged base first): chr2-151643837-G-GC. GRCh37 (hg19) VCF-style: chr2-152500351-G-GC.
Other names: c.7936dup, p.Ala2646fs (NM_001164507.2, NM_001271208.2, NM_004543.5); short protein forms A2646fs.
Identifiers: ClinVar variation 5012731 (VCV005012731.1).
Genomic context (GRCh38, chr2:151,643,837, plus strand): 5'-GACATAATGTTTTGTTGGCCAAAGGAAAATCTTAGACTCACATCGCTCTGGAGGTCATAG[G>GC]CCTGCCGAGCATGGATGACATCGCTCTGGTCGGGCAGGCATGTCCACTGGTGCAGGTAGT-3'